The following is an entry in ClinVar:

NM_033109.5(PNPT1):c.1285-207G>T

Gene: PNPT1 (polyribonucleotide nucleotidyltransferase 1; minus strand). Cytogenetic location: 2p16.1.
Variant type: single nucleotide variant.
Coding change: c.1285-207G>T on transcript NM_033109.5 (MANE Select); 207 bases into the intron before coding-DNA position 1285, G replaced by T.
Molecular consequence: intron variant.
Genome position (GRCh38, 1-based): chr2:55,656,578, C>A on the plus strand (G>T on the coding strand, the complement: PNPT1 is on the minus strand). VCF-style: chr2-55656578-C-A. GRCh37 (hg19) VCF-style: chr2-55883713-C-A.
Identifiers: ClinVar variation 671591 (VCV000671591.1), dbSNP rs2586951, ClinGen allele CA15161827.

ClinVar aggregate classification (germline): Benign (1 of 4 stars; one submission).

Allele frequency attached by ClinVar (database versions not stated): 1000 Genomes Project 0.82947; 1000 Genomes Project 30x 0.84041; TOPMed 0.93049; gnomAD 0.93280 and 0.94217.
gnomAD v4.1: 141,999 of 152,304 alleles (93%); highest among the groups gnomAD compares: African/African-American, 97%; 66,757 homozygotes.

Submission:

GeneDx
Classification: Benign. Last evaluated: 2018-06-14. Review status: criteria provided, single submitter. Criteria: GeneDx Variant Classification (06012015). Collection method: clinical testing. Allele origin: germline. Affected: yes.
Comment: This variant is considered likely benign or benign based on one or more of the following criteria: it is a conservative change, it occurs at a poorly conserved position in the protein, it is predicted to be benign by multiple in silico algorithms, and/or has population frequency not consistent with disease.